The following is an entry in ClinVar:

ClinVar aggregate classification (germline): Uncertain significance (1 of 4 stars; one submission).

Conditions:
Hereditary cancer-predisposing syndrome. Also called: Hereditary Cancer Syndrome; Tumor predisposition; Hereditary neoplastic syndrome; Neoplastic Syndromes, Hereditary. Identifiers: Orphanet 140162, MedGen C0027672, MeSH D009386, MONDO:0015356.
Cardiovascular phenotype. Identifiers: MedGen CN230736.

Submission:

Ambry Genetics
Classification: Uncertain significance for Cardiovascular phenotype; Hereditary cancer-predisposing syndrome. Last evaluated: 2024-08-27. Review status: criteria provided, single submitter. Criteria: Ambry Variant Classification Scheme 2023. Collection method: clinical testing. Allele origin: germline.
Comment: The c.4269+5A>C intronic variant results from an A to C substitution 5 nucleotides after coding exon 31 in the NF1 gene. This nucleotide position is well conserved in available vertebrate species. In silico splice site analysis predicts that this alteration will not have any significant effect on splicing. Based on the available evidence, the clinical significance of this variant remains unclear.

NM_001042492.3(NF1):c.4332+5A>C

Gene: NF1 (neurofibromin 1; plus strand). Cytogenetic location: 17q11.2.
Variant type: single nucleotide variant.
Coding change: c.4332+5A>C on transcript NM_001042492.3 (MANE Select); 5 bases into the intron after coding-DNA position 4332, A replaced by C.
Molecular consequence: intron variant.
Genome position (GRCh38, 1-based): chr17:31,258,507, A>C. VCF-style: chr17-31258507-A-C. GRCh37 (hg19) VCF-style: chr17-29585525-A-C.
Other names: c.4269+5A>C (NM_000267.4).
Identifiers: ClinVar variation 3404723 (VCV003404723.1).